The following is an entry in ClinVar:

NM_000059.4(BRCA2):c.534del (p.Lys178fs)

Gene: BRCA2 (BRCA2 DNA repair associated; plus strand). Cytogenetic location: 13q13.1.
Variant type: Deletion.
Coding change: c.534del on transcript NM_000059.4 (MANE Select); coding-DNA position 534, one base deleted (A; older notation c.534delA).
Protein change: p.Lys178fs; shifts the reading frame from lysine 178.
Molecular consequence: frameshift variant.
Genome position (GRCh38, 1-based): chr13:32,326,516, A deleted; the last of 4 consecutive A bases (chr13:32,326,513-32,326,516); deleting any one gives the same sequence. VCF-style (leftmost placement, unchanged base first): chr13-32326512-CA-C. GRCh37 (hg19) VCF-style: chr13-32900649-CA-C.
Other names: short protein forms K178fs.
Identifiers: ClinVar variation 917654 (VCV000917654.4), dbSNP rs1191198388, ClinGen allele CA1139663063.

ClinVar aggregate classification (germline): Pathogenic/Likely pathogenic. Review status: criteria provided, multiple submitters, no conflicts (2 of 4 stars). 3 submissions from 3 submitters: Pathogenic (2); Likely pathogenic (1). Last evaluated 2024-09-14.

Conditions:
Hereditary breast ovarian cancer syndrome. Also called: Hereditary breast and ovarian cancer; Hereditary breast and ovarian cancer syndrome (HBOC); Breast and ovarian cancer; Hereditary breast and ovarian cancer syndrome; BRCA1- and BRCA2-Associated Hereditary Breast and Ovarian Cancer; Hereditary breast and/or ovarian cancer syndrome. Identifiers: Orphanet 145, MedGen C0677776, MeSH D061325, MONDO:0003582. Disease mechanism: loss of function.
Hereditary cancer-predisposing syndrome. Also called: Tumor predisposition; Hereditary neoplastic syndrome; Hereditary Cancer Syndrome; Neoplastic Syndromes, Hereditary. Identifiers: Orphanet 140162, MedGen C0027672, MeSH D009386, MONDO:0015356.

Submissions (3):

Labcorp Genetics (formerly Invitae), Labcorp
Classification: Pathogenic for Hereditary breast ovarian cancer syndrome. Last evaluated: 2024-09-14. Review status: criteria provided, single submitter. Criteria: Invitae Variant Classification Sherloc (09022015). Collection method: clinical testing. Allele origin: germline.
Comment: This sequence change creates a premature translational stop signal (p.Lys178Asnfs*7) in the BRCA2 gene. It is expected to result in an absent or disrupted protein product. Loss-of-function variants in BRCA2 are known to be pathogenic (PMID: 20104584). This variant is not present in population databases (gnomAD no frequency). This variant has not been reported in the literature in individuals affected with BRCA2-related conditions. ClinVar contains an entry for this variant (Variation ID: 917654). For these reasons, this variant has been classified as Pathogenic.

Ambry Genetics
Classification: Pathogenic for Hereditary cancer-predisposing syndrome. Last evaluated: 2024-07-19. Review status: criteria provided, single submitter. Criteria: Ambry Variant Classification Scheme 2023. Collection method: clinical testing. Allele origin: germline.
Comment: The c.534delA pathogenic mutation, located in coding exon 6 of the BRCA2 gene, results from a deletion of one nucleotide at nucleotide position 534, causing a translational frameshift with a predicted alternate stop codon (p.K178Nfs*7). This variant is considered to be rare based on population cohorts in the Genome Aggregation Database (gnomAD). This alteration is expected to result in loss of function by premature protein truncation or nonsense-mediated mRNA decay. As such, this alteration is interpreted as a disease-causing mutation.

Women's Health and Genetics/Laboratory Corporation of America, LabCorp
Classification: Likely pathogenic for Hereditary breast and ovarian cancer syndrome. Last evaluated: 2020-01-15. Review status: criteria provided, single submitter. Criteria: LabCorp Variant Classification Summary - May 2015. Collection method: clinical testing. Allele origin: germline.
Comment: Variant summary: BRCA2 c.534delA (p.Lys178AsnfsX7) results in a premature termination codon, predicted to cause a truncation of the encoded protein or absence of the protein due to nonsense mediated decay, which are commonly known mechanisms for disease. Truncations downstream of this position have been classified as pathogenic by our laboratory. The variant was absent in 251384 control chromosomes (gnomAD). To our knowledge, no occurrence of c.534delA in individuals affected with Hereditary Breast and Ovarian Cancer and no experimental evidence demonstrating an impact on protein function have been reported. No clinical diagnostic laboratories have submitted clinical-significance assessments for this variant to ClinVar after 2014. Based on the evidence outlined above, the variant was classified as likely pathogenic.

Literature cited by the submitters: PubMed 20104584 (cited by Labcorp Genetics (formerly Invitae), Labcorp).